The following is an entry in ClinVar:

ClinVar aggregate classification (germline): Pathogenic/Likely pathogenic. Review status: criteria provided, multiple submitters, no conflicts (2 of 4 stars). 9 submissions from 9 submitters: Pathogenic (6); Likely pathogenic (1). 2 of the submissions do not count toward it. Last evaluated 2025-06-08.

Conditions:
Mismatch repair cancer syndrome 4. Identifiers: MedGen C5436817, MONDO:0030843, OMIM 619101.
Hereditary nonpolyposis colorectal neoplasms. Identifiers: MedGen C0009405, MeSH D003123.
Hereditary nonpolyposis colon cancer (HNPCC). Also called: Hereditary Nonpolyposis Colorectal Cancer Syndrome; Hereditary nonpolyposis colorectal cancer; Familial nonpolyposis colon cancer. Identifiers: Orphanet 443909, MedGen C1333990, MONDO:0018630. Disease mechanism: loss of function.
Hereditary cancer-predisposing syndrome. Also called: Tumor predisposition; Hereditary Cancer Syndrome; Neoplastic Syndromes, Hereditary; Hereditary neoplastic syndrome. Identifiers: Orphanet 140162, MedGen C0027672, MeSH D009386, MONDO:0015356.
Lynch syndrome 4 (LYNCH4). Also called: Hereditary non-polyposis colorectal cancer, type 4; Colorectal cancer, hereditary nonpolyposis, type 4. Identifiers: Orphanet 144, MedGen C1838333, MONDO:0013699, OMIM 614337. Disease mechanism: loss of function.
Carcinoma of colon (CRC). Also called: Colonic carcinoma; Colon carcinoma. Identifiers: MedGen C0699790, MONDO:0002032.

Submissions (9):

Labcorp Genetics (formerly Invitae), Labcorp
Classification: Pathogenic for Hereditary nonpolyposis colorectal neoplasms. Last evaluated: 2025-06-08. Review status: criteria provided, single submitter. Criteria: Invitae Variant Classification Sherloc (09022015). Collection method: clinical testing. Allele origin: germline.
Comment: This sequence change creates a premature translational stop signal (p.Arg578Valfs*3) in the PMS2 gene. It is expected to result in an absent or disrupted protein product. Loss-of-function variants in PMS2 are known to be pathogenic (PMID: 21376568, 24362816). This variant is not present in population databases (gnomAD no frequency). This premature translational stop signal has been observed in individual(s) with colorectal cancer and constitutional mismatch repair deficiency (CMMR-D) associated tumors (PMID: 17557300, 22585707). It has also been observed to segregate with disease in related individuals. ClinVar contains an entry for this variant (Variation ID: 91310). For these reasons, this variant has been classified as Pathogenic.

Color Diagnostics, LLC DBA Color Health
Classification: Pathogenic for Hereditary cancer-predisposing syndrome. Last evaluated: 2025-05-21. Review status: criteria provided, single submitter. Criteria: ACMG Guidelines, 2015. Collection method: clinical testing. Allele origin: germline.
Comment: This variant creates a frameshift and premature translation stop signal in exon 11 of the PMS2 gene. This variant is expected to result in an absent or non-functional protein product. To our knowledge, functional studies have not been performed for this variant. This variant has been reported in trans with a pathogenic PMS2 missense variant in two siblings with clinical features consistent with constitutional mismatch repair deficiency (PMID: 17557300). This variant has not been identified in the general population by the Genome Aggregation Database (gnomAD). Loss of PMS2 function is a known mechanism of disease. Based on the available evidence, this variant is classified as Pathogenic.

Women's Health and Genetics/Laboratory Corporation of America, LabCorp
Classification: Pathogenic for Hereditary nonpolyposis colon cancer. Last evaluated: 2023-11-22. Review status: criteria provided, single submitter. Criteria: LabCorp Variant Classification Summary - May 2015. Collection method: clinical testing. Allele origin: germline.
Comment: Variant summary: PMS2 c.1731_1732delinsAGT (p.Arg578ValfsX3) results in a premature termination codon, predicted to cause a truncation of the encoded protein or absence of the protein due to nonsense mediated decay, which are commonly known mechanisms for disease. The variant is a multinucleotide change resulting from c.1730dupA and c.1732C>T. The variant was absent in 251352 control chromosomes. c.1731_1732delinsAGT has been reported in the literature in individuals affected with Lynch Syndrome associated cancers (example: Auclair_2007). Four submitters have cited clinical-significance assessments for this variant to ClinVar after 2014. All submitters classified the variant as pathogenic/likely pathogenic. Based on the evidence outlined above, the variant was classified as pathogenic.

Myriad Genetics, Inc.
Classification: Pathogenic for Lynch syndrome 4. Last evaluated: 2023-09-20. Review status: criteria provided, single submitter. Criteria: Myriad Autosomal Dominant, Autosomal Recessive and X-Linked Classification Criteria (2023). Collection method: clinical testing. Allele origin: unknown.
Comment: This variant is considered pathogenic. This variant creates a frameshift predicted to result in premature protein truncation.

GeneDx
Classification: Pathogenic. Last evaluated: 2023-01-16. Review status: criteria provided, single submitter. Criteria: GeneDx Variant Classification Process June 2021. Collection method: clinical testing. Allele origin: germline. Affected: yes.
Comment: Frameshift variant predicted to result in protein truncation or nonsense mediated decay in a gene for which loss of function is a known mechanism of disease; Observed in patients with Lynch-related cancers and tumor studies consistent with pathogenic variants in this gene (Tian et al., 2019); Truncating variants in this gene are considered pathogenic by a well-established clinical consortium and/or database; Not observed at significant frequency in large population cohorts (gnomAD); This variant is associated with the following publications: (PMID: 20531397, 22585707, 18709565, 21376568, 31054147, 17557300)

Ambry Genetics
Classification: Pathogenic for Hereditary cancer-predisposing syndrome. Last evaluated: 2022-12-06. Review status: criteria provided, single submitter. Criteria: Ambry Variant Classification Scheme 2023. Collection method: clinical testing. Allele origin: germline.
Comment: The c.1731_1732delGCinsAGT pathogenic mutation, located in coding exon 11 of the PMS2 gene, results from the deletion of two nucleotides and insertion of three nucleotides causing a translational frameshift with a predicted alternate stop codon (p.R578Vfs*3). This mutation, described as "c.1730_1731insA and c.1732C>T", was detected in trans with a second PMS2 mutation in two sisters with constitutional mismatch repair deficiency (CMMRD) (Auclair J et al. Hum. Mutat. 2007 Nov;28:1084-90). In addition to the clinical data presented in the literature, this alteration is expected to result in loss of function by premature protein truncation or nonsense-mediated mRNA decay. As such, this alteration is interpreted as a disease-causing mutation.

Geisinger Autism and Developmental Medicine Institute, Geisinger Health System
Classification: Likely pathogenic for Lynch syndrome 4. Last evaluated: 2018-02-20. Review status: criteria provided, single submitter. Criteria: ACMG Guidelines, 2015. Collection method: provider interpretation, clinical testing. Allele origin: paternal. Observed: 1 variant allele.
Comment: Genetic testing to date, including exome sequencing, has not yielded a diagnosis, but did identify a secondary finding. This variant was reported previously in a compound heterozygous state in siblings with early only cancer and a family history of colon cancer (Auclair, 2007). It is absent from gnomAD. It is expected to cause a frameshift resulting in a premature stop codon.

OMIM
Classification: Pathogenic for MISMATCH REPAIR CANCER SYNDROME 4. Last evaluated: 2007-11-01. Review status: no assertion criteria provided. Collection method: literature only. Allele origin: germline. Not counted in ClinVar's aggregate classification.

Department of Pathology and Laboratory Medicine, Sinai Health System
Classification: Pathogenic for Carcinoma of colon. Review status: no assertion criteria provided. Collection method: clinical testing. Allele origin: unknown. Affected: yes. Study: The Canadian Open Genetics Repository (COGR). Not counted in ClinVar's aggregate classification.
Comment: The PMS2 p.Arg578Valfs*3 variant was identified in the literature in two sisters: one with severe unexplained anemia, oligodendroglioma, two synchronous colon adenocarcinomas, and a poorly differentiated adenomatous polyp; and the other with brain angioma, colon cancer, multiple dysplastic adenomatous polyps, and endometrial cancer (Auclair 2007). This variant co-occurred with the pathogenic PMS2 variant c.137G>T (p.Ser46Ile, Auclair 2007); these sisters were likely affected with Biallelic Mismatch Repair Deficiency syndrome. The variant was also identified in dbSNP (ID: rs1057515572) as "With Pathogenic allele" and ClinVar (classified as pathogenic by GeneDx and OMIM; and as likely pathogenic by one submitter). The variant was not identified in the following control databases: the Exome Aggregation Consortium (August 8th 2016) or the Genome Aggregation Database (Feb 27, 2017). The c.1731_1732delinsAGT variant is predicted to cause a frameshift, which alters the protein's amino acid sequence beginning at codon 578 and leads to a premature stop codon at position 580. This alteration is then predicted to result in a truncated or absent protein and loss of function. Loss of function variants of the PMS2 gene are an established mechanism of disease in Lynch syndrome and is the type of variant expected to cause the disorder. In summary, based on the above information, this variant meets our laboratoryâ€šÃ„Ã´s criteria to be classified as pathogenic.

Literature cited by the submitters: PubMed 21376568 (cited by Labcorp Genetics (formerly Invitae), Labcorp); PubMed 24362816 (cited by Labcorp Genetics (formerly Invitae), Labcorp); PubMed 17557300 (cited by 6 submitters); PubMed 22585707 (cited by Labcorp Genetics (formerly Invitae), Labcorp).

NM_000535.7(PMS2):c.1731_1732delinsAGT (p.Arg578fs)

Gene: PMS2 (PMS1 homolog 2, mismatch repair system component; minus strand). Cytogenetic location: 7p22.1.
Variant type: Indel.
Coding change: c.1731_1732delinsAGT on transcript NM_000535.7 (MANE Select); coding-DNA positions 1731 to 1732, GC replaced by AGT.
Protein change: p.Arg578fs; shifts the reading frame from arginine 578.
Molecular consequence: frameshift variant. On other transcripts: non-coding transcript variant (1).
Genome position (GRCh38, 1-based): chr7:5,987,033-5,987,034, GC replaced by ACT on the plus strand (GC replaced by AGT on the coding strand, the reverse complement: PMS2 is on the minus strand). VCF-style: chr7-5987033-GC-ACT. GRCh37 (hg19) VCF-style: chr7-6026664-GC-ACT.
Other names: c.1731_1732delGCinsAGT (NM_000535.5); c.1326_1327delinsAGT, p.Arg443fs (NM_001322003.2, NM_001322004.2, NM_001322005.2 and 1 more transcripts); c.1575_1576delinsAGT, p.Arg526fs (NM_001322006.2); c.1413_1414delinsAGT, p.Arg472fs (NM_001322007.2, NM_001322008.2); c.1170_1171delinsAGT, p.Arg391fs (NM_001322010.2); c.798_799delinsAGT, p.Arg267fs (NM_001322011.2, NM_001322012.2); c.1158_1159delinsAGT, p.Arg387fs (NM_001322013.2); c.1731_1732delinsAGT, p.Arg578fs (NM_001322014.2); and 1 more; short protein forms R443fs, R267fs, R387fs, R475fs, R578fs, R391fs, R472fs, R526fs.
Identifiers: ClinVar variation 9244 (VCV000009244.18), dbSNP rs1057515572, ClinGen allele CA16040598.